The following is an entry in ClinVar:

NM_000057.4(BLM):c.1220G>A (p.Arg407Lys)

Gene: BLM (BLM RecQ like helicase; plus strand). Cytogenetic location: 15q26.1.
Variant type: single nucleotide variant.
Coding change: c.1220G>A on transcript NM_000057.4 (MANE Select); coding-DNA position 1220, G replaced by A.
Protein change: p.Arg407Lys; replaces arginine 407 with lysine.
Molecular consequence: missense variant.
Genome position (GRCh38, 1-based): chr15:90,760,279, G>A. VCF-style: chr15-90760279-G-A. GRCh37 (hg19) VCF-style: chr15-91303509-G-A.
Other names: c.1220G>A, p.Arg407Lys (NM_001287246.2, NM_001287247.2); c.95G>A, p.Arg32Lys (NM_001287248.2); short protein forms R32K, R407K.
Identifiers: ClinVar variation 999269 (VCV000999269.11), dbSNP rs1350192744, ClinGen allele CA393842575.
Genomic context (GRCh38, chr15:90,760,279, plus strand): 5'-CTGATGATAAACTGAAACTTTTGGATTGTGGGAACGAACTGCTTCAGCAGCGGAACATAA[G>A]GTATCTTAATTTTCCCCCTTCTGGAATATATCTGATTATATTTCTACCACTCTAAGTGAA-3'
Protein context (NP_000048.1, residues 397-417): GNELLQQRNI[Arg407Lys]RKLLTEVDFN

ClinVar aggregate classification (germline): Uncertain significance. Review status: criteria provided, multiple submitters, no conflicts (2 of 4 stars). 2 submissions from 2 submitters: Uncertain significance (2). Last evaluated 2022-02-24.

Conditions:
Hereditary cancer-predisposing syndrome. Also called: Neoplastic Syndromes, Hereditary; Tumor predisposition; Hereditary Cancer Syndrome; Hereditary neoplastic syndrome. Identifiers: Orphanet 140162, MedGen C0027672, MeSH D009386, MONDO:0015356.
Bloom syndrome (BLM). Also called: Bloom-Torre-Machacek syndrome. Identifiers: Orphanet 125, MedGen C0005859, MONDO:0008876, OMIM 210900.

Submissions (2):

Labcorp Genetics (formerly Invitae), Labcorp
Classification: Uncertain significance for Bloom syndrome. Last evaluated: 2022-02-24. Review status: criteria provided, single submitter. Criteria: Invitae Variant Classification Sherloc (09022015). Collection method: clinical testing. Allele origin: germline.
Comment: In summary, the available evidence is currently insufficient to determine the role of this variant in disease. Therefore, it has been classified as a Variant of Uncertain Significance. Variants that disrupt the consensus splice site are a relatively common cause of aberrant splicing (PMID: 17576681, 9536098). Algorithms developed to predict the effect of sequence changes on RNA splicing suggest that this variant may disrupt the consensus splice site. Algorithms developed to predict the effect of missense changes on protein structure and function are either unavailable or do not agree on the potential impact of this missense change (SIFT: "Deleterious"; PolyPhen-2: "Probably Damaging"; Align-GVGD: "Class C0"). ClinVar contains an entry for this variant (Variation ID: 999269). This variant has not been reported in the literature in individuals affected with BLM-related conditions. This variant is not present in population databases (gnomAD no frequency). This sequence change replaces arginine, which is basic and polar, with lysine, which is basic and polar, at codon 407 of the BLM protein (p.Arg407Lys). This variant also falls at the last nucleotide of exon 6, which is part of the consensus splice site for this exon.

Ambry Genetics
Classification: Uncertain significance for Hereditary cancer-predisposing syndrome. Last evaluated: 2021-11-22. Review status: criteria provided, single submitter. Criteria: Ambry Variant Classification Scheme 2023. Collection method: clinical testing. Allele origin: germline.
Comment: The p.R407K variant (also known as c.1220G>A), located in coding exon 5 of the BLM gene, results from a G to A substitution at nucleotide position 1220. The arginine at codon 407 is replaced by lysine, an amino acid with highly similar properties. However, this change occurs in the last base pair of coding exon 5, which makes it likely to have some effect on normal mRNA splicing. This nucleotide position is highly conserved in available vertebrate species. This amino acid position is highly conserved in available vertebrate species. In silico splice site analysis predicts that this alteration will weaken the native splice donor site; however, direct evidence is insufficient at this time (Ambry internal data). In addition, as a missense substitution this is predicted to be tolerated by in silico analysis. Since supporting evidence is limited at this time, the clinical significance of this alteration remains unclear.

Literature cited by the submitters: PubMed 17576681 (cited by Labcorp Genetics (formerly Invitae), Labcorp); PubMed 9536098 (cited by Labcorp Genetics (formerly Invitae), Labcorp).